The following is an entry in ClinVar:

ClinVar aggregate classification (germline): Pathogenic/Likely pathogenic. Review status: criteria provided, multiple submitters, no conflicts (2 of 4 stars). 3 submissions from 3 submitters: Pathogenic (1); Likely pathogenic (2). Last evaluated 2022-11-01.

Conditions:
Progressive myoclonic epilepsy. Also called: Familial progressive myoclonic epilepsy; Progressive myoclonus epilepsy; Myoclonic Epilepsies, Progressive; Myoclonus epilepsy. Identifiers: Orphanet 308, Orphanet 98261, MedGen C0751778, MONDO:0020074.
Unverricht-Lundborg syndrome. Also called: Epilepsy, progressive myoclonic 1A (Unverricht and Lundborg); Progressive myoclonus epilepsy baltic myoclonic epilepsy; Myoclonus progressive epilepsy of Unverricht and Lundborg; EPILEPSY, PROGRESSIVE MYOCLONIC, 1A; Unverricht-Lundborg Disease; Myoclonic epilepsy of unverricht and lundborg. Identifiers: Orphanet 308, MedGen C0751785, MONDO:0009698, OMIM 254800.

Submissions (3):

Revvity Omics, Revvity
Classification: Likely pathogenic for Unverricht-Lundborg syndrome. Last evaluated: 2022-11-01. Review status: criteria provided, single submitter. Criteria: ACMG Guidelines, 2015. Collection method: clinical testing. Allele origin: germline.

Labcorp Genetics (formerly Invitae), Labcorp
Classification: Pathogenic for Progressive myoclonic epilepsy. Last evaluated: 2018-05-03. Review status: criteria provided, single submitter. Criteria: Invitae Variant Classification Sherloc (09022015). Collection method: clinical testing. Allele origin: germline.
Comment: For these reasons, this variant has been classified as Pathogenic. Loss-of-function variants in CSTB are known to be pathogenic (PMID: 8596935). This variant has not been reported in the literature in individuals with CSTB-related disease. While this variant is not present in population databases, the frequency information is unreliable, as metrics indicate poor data quality at this position in the ExAC database. This sequence change creates a premature translational stop signal (p.Gln22*) in the CSTB gene. It is expected to result in an absent or disrupted protein product.

Neuberg Centre For Genomic Medicine, NCGM
Classification: Likely pathogenic for Unverricht-Lundborg syndrome. Review status: criteria provided, single submitter. Criteria: ACMG Guidelines, 2015. Collection method: clinical testing. Allele origin: germline. Inheritance: Autosomal recessive inheritance. Affected: yes.

Literature cited by the submitters: PubMed 8596935 (cited by Labcorp Genetics (formerly Invitae), Labcorp).

NM_000100.4(CSTB):c.64C>T (p.Gln22Ter)

Genes: CSTB (cystatin B; minus strand), LOC130066788 (ATAC-STARR-seq lymphoblastoid silent region 13368; plus strand). Cytogenetic location: 21q22.3.
Variant type: single nucleotide variant.
Coding change: c.64C>T on transcript NM_000100.4 (MANE Select); coding-DNA position 64, C replaced by T.
Protein change: p.Gln22Ter; replaces glutamine 22 with a stop codon.
Molecular consequence: nonsense.
Genome position (GRCh38, 1-based): chr21:43,776,206, G>A on the plus strand (C>T on the coding strand, the complement: CSTB is on the minus strand). VCF-style: chr21-43776206-G-A. GRCh37 (hg19) VCF-style: chr21-45196087-G-A.
Other names: short protein forms Q22*.
Identifiers: ClinVar variation 575156 (VCV000575156.11), dbSNP rs1569006250, ClinGen allele CA410408590.
Genomic context (GRCh38, chr21:43,776,206, plus strand): 5'-CCGCGCCCTGAGGCTAAGGCAGGACTCCGGGCCGGCCCCGTCCCCGCGGCCCACCCACCT[G>A]GTCGGCGATGTGCTGGGTCTCGGCGGTGGCCGGCTGCGTGGCGGAGGGCGCCCCGCACAT-3'